The following is an entry in ClinVar:

ClinVar aggregate classification (germline): Likely pathogenic (1 of 4 stars; one submission).

Conditions:
Autosomal recessive titinopathy. Identifiers: MedGen CN315649, MONDO:0100493.

gnomAD v4.1: 4 of 1,612,896 alleles (0.00025%); highest among the groups gnomAD compares: Non-Finnish European, 0.00034%; no homozygotes.

Submission:

Myofin, Folkhalsan Research Center
Classification: Likely pathogenic for Autosomal recessive titinopathy. Last evaluated: 2026-02-06. Review status: criteria provided, single submitter. Criteria: ACMG Guidelines, 2015. Collection method: research. Allele origin: germline. Affected: yes.
Comment: This variant (p.(Arg25480Pro)) was identified in 2 unrelated families (one in Di Feo et al., 2026, and the other in Rees et al., 2021) with a titinopathy phenotype and is present in trans with a pathogenic/likely pathogenic TTN truncating variant. ACMG/AMP criteria applied: PM3_Supporting (observed in trans with a pathogenic TTNtv in multiple probands, weighted per ClinGen recommendations for large genes), PS3_Moderate (variant-specific functional evidence reported previously supports a damaging effect on the gene product), PP1_Supporting (segregation consistent with recessive inheritance), PP3_Strong (AlphaMissense in the pathogenic range), PM2_Supporting (absent/very rare in population databases, no homozygotes reported), and PP4_Supporting (phenotype consistent with recessive titinopathy). BP1 was not applied for TTN. Overall classification: Likely pathogenic for recessive titinopathy.

Literature cited by the submitters: DOI 10.1101/2025.07.17.25331141.

NM_001267550.2(TTN):c.76439G>C (p.Arg25480Pro)

Genes: TTN (titin; minus strand), TTN-AS1 (TTN antisense RNA 1; plus strand). Cytogenetic location: 2q31.2.
Variant type: single nucleotide variant.
Coding change: c.76439G>C on transcript NM_001267550.2 (MANE Select); coding-DNA position 76439, G replaced by C.
Protein change: p.Arg25480Pro; replaces arginine 25480 with proline.
Molecular consequence: missense variant.
Genome position (GRCh38, 1-based): chr2:178,569,693, C>G on the plus strand (G>C on the coding strand, the complement: TTN is on the minus strand). VCF-style: chr2-178569693-C-G. GRCh37 (hg19) VCF-style: chr2-179434420-C-G.
Other names: c.71516G>C, p.Arg23839Pro (NM_001256850.1); c.49244G>C, p.Arg16415Pro (NM_003319.4); c.68735G>C, p.Arg22912Pro (NM_133378.4); c.49619G>C, p.Arg16540Pro (NM_133432.3); c.49820G>C, p.Arg16607Pro (NM_133437.4); short protein forms R16540P, R16415P, R22912P, R23839P, R16607P, R25480P.
Identifiers: ClinVar variation 4795232 (VCV004795232.1).